The following is an entry in ClinVar:

ClinVar aggregate classification (germline): Uncertain significance. Review status: criteria provided, multiple submitters, no conflicts (2 of 4 stars). 2 submissions from 2 submitters: Uncertain significance (2). Last evaluated 2025-05-15.

Conditions:
Dilated cardiomyopathy 1G (CMD1G). Identifiers: Orphanet 154, MedGen C1858763, MONDO:0011400, OMIM 604145.
Autosomal recessive limb-girdle muscular dystrophy type 2J (LGMDR10). Also called: Limb-girdle muscular dystrophy, type 2J; MUSCULAR DYSTROPHY, LIMB-GIRDLE, AUTOSOMAL RECESSIVE 10. Identifiers: Orphanet 140922, MedGen C1837342, MONDO:0012127, OMIM 608807.

Allele frequency attached by ClinVar (database versions not stated): gnomAD exomes below 0.00001 and 0.00001; TOPMed below 0.00001.
gnomAD v4.1: 6 of 1,613,806 alleles (0.00037%); highest among the groups gnomAD compares: African/African-American, 0.0053%; no homozygotes.

Submissions (2):

Labcorp Genetics (formerly Invitae), Labcorp
Classification: Uncertain significance for Dilated cardiomyopathy 1G; Autosomal recessive limb-girdle muscular dystrophy type 2J. Last evaluated: 2025-05-15. Review status: criteria provided, single submitter. Criteria: Invitae Variant Classification Sherloc (09022015). Collection method: clinical testing. Allele origin: germline.
Comment: This sequence change replaces serine, which is neutral and polar, with leucine, which is neutral and non-polar, at codon 34876 of the TTN protein (p.Ser34876Leu). This variant is present in population databases (no rsID available, gnomAD 0.007%). This variant has not been reported in the literature in individuals affected with TTN-related conditions. ClinVar contains an entry for this variant (Variation ID: 647576). Experimental studies and prediction algorithms are not available or were not evaluated, and the functional significance of this variant is currently unknown. This variant is located in the M band of TTN (PMID: 25589632). Non-truncating variants in this region may be relevant for neuromuscular disorders, but have not been definitively shown to cause cardiomyopathy (PMID: 23975875). In summary, the available evidence is currently insufficient to determine the role of this variant in disease. Therefore, it has been classified as a Variant of Uncertain Significance.

Revvity Omics, Revvity
Classification: Uncertain significance. Last evaluated: 2019-08-14. Review status: criteria provided, single submitter. Criteria: ACMG Guidelines, 2015. Collection method: clinical testing. Allele origin: germline.

Literature cited by the submitters: PubMed 25589632 (cited by Labcorp Genetics (formerly Invitae), Labcorp); PubMed 23975875 (cited by Labcorp Genetics (formerly Invitae), Labcorp).

NM_001267550.2(TTN):c.104627C>T (p.Ser34876Leu)

Genes: TTN (titin; minus strand), TTN-AS1 (TTN antisense RNA 1; plus strand). Cytogenetic location: 2q31.2.
Variant type: single nucleotide variant.
Coding change: c.104627C>T on transcript NM_001267550.2 (MANE Select); coding-DNA position 104627, C replaced by T.
Protein change: p.Ser34876Leu; replaces serine 34876 with leucine.
Molecular consequence: missense variant.
Genome position (GRCh38, 1-based): chr2:178,531,988, G>A on the plus strand (C>T on the coding strand, the complement: TTN is on the minus strand). VCF-style: chr2-178531988-G-A. GRCh37 (hg19) VCF-style: chr2-179396715-G-A.
Other names: c.99704C>T, p.Ser33235Leu (NM_001256850.1); c.77432C>T, p.Ser25811Leu (NM_003319.4); c.96923C>T, p.Ser32308Leu (NM_133378.4); c.77807C>T, p.Ser25936Leu (NM_133432.3); c.78008C>T, p.Ser26003Leu (NM_133437.4); short protein forms S32308L, S33235L, S34876L, S25811L, S25936L, S26003L.
Identifiers: ClinVar variation 647576 (VCV000647576.11), dbSNP rs1170097065, ClinGen allele CA349411262.
Genomic context (GRCh38, chr2:178,531,988, plus strand): 5'-AGTGATCTCTCACTAGACACAGGGCTGGGGGATCGTGGGCGAGTTCTCTCTGGAGTAGGT[G>A]ACCTTCTTTCTGTGTCATCTTCGTATTCCTCAGCCGGTTGTGGACGTGACCGGATCAGCT-3'
Protein context (NP_001254479.2, residues 34866-34886): EEYEDDTERR[Ser34876Leu]PTPERTRPRS